The following is an entry in ClinVar:

NM_001378452.1(ITPR1):c.2929G>A (p.Val977Ile)

Gene: ITPR1 (inositol 1,4,5-trisphosphate receptor type 1; plus strand). Cytogenetic location: 3p26.1.
Variant type: single nucleotide variant.
Coding change: c.2929G>A on transcript NM_001378452.1 (MANE Select); coding-DNA position 2929, G replaced by A.
Protein change: p.Val977Ile; replaces valine 977 with isoleucine.
Molecular consequence: missense variant.
Genome position (GRCh38, 1-based): chr3:4,676,763, G>A. VCF-style: chr3-4676763-G-A. GRCh37 (hg19) VCF-style: chr3-4718447-G-A.
Other names: c.2902G>A, p.Val968Ile (NM_001099952.4); c.2884G>A, p.Val962Ile (NM_001168272.2); c.2857G>A, p.Val953Ile (NM_002222.7); short protein forms V953I, V962I, V968I, V977I.
Identifiers: ClinVar variation 901750 (VCV000901750.8), dbSNP rs370220353, ClinGen allele CA2231551.
Genomic context (GRCh38, chr3:4,676,763, plus strand): 5'-ATGGCTGCTGCCCCTGAAGGCAATGTGAAGCAGGCAGAGCCTGAGAAGGAGGACATCATG[G>A]TCATGGACACCAAGCTGAAGATCATTGAGATACTCCAGGTATCCACTAGCTGGAGCTGGG-3'
Protein context (NP_001365381.1, residues 967-987): QAEPEKEDIM[Val977Ile]MDTKLKIIEI

ClinVar aggregate classification (germline): Uncertain significance. Review status: criteria provided, multiple submitters, no conflicts (2 of 4 stars). 3 submissions from 3 submitters: Uncertain significance (3). Last evaluated 2024-06-26.

Conditions:
Autosomal dominant cerebellar ataxia. Also called: Spinocerebellar Ataxia, Dominant. Identifiers: Orphanet 99, MedGen C4087347, MONDO:0020380.
Inborn genetic diseases. Identifiers: MedGen C0950123, MeSH D030342.

Allele frequency attached by ClinVar (database versions not stated): gnomAD 0.00001; TOPMed 0.00001; ExAC 0.00002; gnomAD exomes 0.00002; ESP Exome Variant Server 0.00008.
gnomAD v4.1: 117 of 1,613,614 alleles (0.0073%); highest among the groups gnomAD compares: Non-Finnish European, 0.0097%; no homozygotes.

Submissions (3):

Labcorp Genetics (formerly Invitae), Labcorp
Classification: Uncertain significance. Last evaluated: 2024-06-26. Review status: criteria provided, single submitter. Criteria: Invitae Variant Classification Sherloc (09022015). Collection method: clinical testing. Allele origin: germline.
Comment: This sequence change replaces valine, which is neutral and non-polar, with isoleucine, which is neutral and non-polar, at codon 953 of the ITPR1 protein (p.Val953Ile). This variant is present in population databases (rs370220353, gnomAD 0.004%). This variant has not been reported in the literature in individuals affected with ITPR1-related conditions. ClinVar contains an entry for this variant (Variation ID: 901750). Advanced modeling of protein sequence and biophysical properties (such as structural, functional, and spatial information, amino acid conservation, physicochemical variation, residue mobility, and thermodynamic stability) performed at Invitae indicates that this missense variant is not expected to disrupt ITPR1 protein function with a negative predictive value of 95%. In summary, the available evidence is currently insufficient to determine the role of this variant in disease. Therefore, it has been classified as a Variant of Uncertain Significance.

Ambry Genetics
Classification: Uncertain significance for Inborn genetic diseases. Last evaluated: 2021-04-07. Review status: criteria provided, single submitter. Criteria: Ambry Variant Classification Scheme 2023. Collection method: clinical testing. Allele origin: germline.
Comment: The c.2857G>A (p.V953I) alteration is located in exon 23 (coding exon 21) of the ITPR1 gene. This alteration results from a G to A substitution at nucleotide position 2857, causing the valine (V) at amino acid position 953 to be replaced by an isoleucine (I). The in silico prediction for the p.V953I alteration is inconclusive. Based on insufficient or conflicting evidence, the clinical significance of this alteration remains unclear.

Illumina Laboratory Services, Illumina
Classification: Uncertain significance for Spinocerebellar Ataxia, Dominant. Last evaluated: 2018-01-12. Review status: criteria provided, single submitter. Criteria: ICSL Variant Classification Criteria 13 December 2019. Collection method: clinical testing. Allele origin: germline.